The following is an entry in ClinVar:

NM_058195.4(CDKN2A):c.180T>G (p.Leu60=)

Gene: CDKN2A (cyclin dependent kinase inhibitor 2A; minus strand). Cytogenetic location: 9p21.3.
Variant type: single nucleotide variant.
Coding change: c.180T>G on transcript NM_058195.4 (MANE Plus Clinical); coding-DNA position 180, T replaced by G.
Protein change: p.Leu60=; no amino-acid change (leucine 60 retained).
Molecular consequence: synonymous variant. On other transcripts: intron variant (1).
Genome position (GRCh38, 1-based): chr9:21,994,152, A>C on the plus strand (T>G on the coding strand, the complement: CDKN2A is on the minus strand). VCF-style: chr9-21994152-A-C. GRCh37 (hg19) VCF-style: chr9-21994151-A-C.
Other names: c.-4+669T>G (NM_001363763.2).
Identifiers: ClinVar variation 4294173 (VCV004294173.1).

ClinVar aggregate classification (germline): Benign (1 of 4 stars; one submission).

Conditions:
Melanoma-pancreatic cancer syndrome. Identifiers: Orphanet 404560, MedGen C1838547, MONDO:0011713, OMIM 606719. Disease mechanism: loss of function.

Submission:

Myriad Genetics, Inc.
Classification: Benign for Melanoma-pancreatic cancer syndrome. Last evaluated: 2025-08-12. Review status: criteria provided, single submitter. Criteria: Myriad Autosomal Dominant, Autosomal Recessive and X-Linked Classification Criteria (2023). Collection method: clinical testing. Allele origin: unknown.
Comment: This variant is considered benign. This variant is a silent/synonymous amino acid change and it is not expected to impact splicing.